The following is an entry in ClinVar:

ClinVar aggregate classification (germline): Uncertain significance (1 of 4 stars; one submission).

Submission:

Labcorp Genetics (formerly Invitae), Labcorp
Classification: Uncertain significance. Last evaluated: 2024-03-25. Review status: criteria provided, single submitter. Criteria: Invitae Variant Classification Sherloc (09022015). Collection method: clinical testing. Allele origin: germline.
Comment: This sequence change replaces isoleucine, which is neutral and non-polar, with phenylalanine, which is neutral and non-polar, at codon 2124 of the DCHS1 protein (p.Ile2124Phe). This variant is not present in population databases (gnomAD no frequency). This variant has not been reported in the literature in individuals affected with DCHS1-related conditions. Advanced modeling of protein sequence and biophysical properties (such as structural, functional, and spatial information, amino acid conservation, physicochemical variation, residue mobility, and thermodynamic stability) has been performed at Invitae for this missense variant, however the output from this modeling did not meet the statistical confidence thresholds required to predict the impact of this variant on DCHS1 protein function. In summary, the available evidence is currently insufficient to determine the role of this variant in disease. Therefore, it has been classified as a Variant of Uncertain Significance.

NM_003737.4(DCHS1):c.6370A>T (p.Ile2124Phe)

Gene: DCHS1 (dachsous cadherin-related 1; minus strand). Cytogenetic location: 11p15.4.
Variant type: single nucleotide variant.
Coding change: c.6370A>T on transcript NM_003737.4 (MANE Select); coding-DNA position 6370, A replaced by T.
Protein change: p.Ile2124Phe; replaces isoleucine 2124 with phenylalanine.
Molecular consequence: missense variant.
Genome position (GRCh38, 1-based): chr11:6,626,375, T>A on the plus strand (A>T on the coding strand, the complement: DCHS1 is on the minus strand). VCF-style: chr11-6626375-T-A. GRCh37 (hg19) VCF-style: chr11-6647606-T-A.
Other names: short protein forms I2124F.
Identifiers: ClinVar variation 2877764 (VCV002877764.3), dbSNP rs775693334, ClinGen allele CA379388260.